The following is an entry in ClinVar:

NM_001370259.2(MEN1):c.66G>C (p.Leu22=)

Gene: MEN1 (menin 1; minus strand). Cytogenetic location: 11q13.1.
Variant type: single nucleotide variant.
Coding change: c.66G>C on transcript NM_001370259.2 (MANE Select); coding-DNA position 66, G replaced by C.
Protein change: p.Leu22=; no amino-acid change (leucine 22 retained).
Molecular consequence: synonymous variant. On other transcripts: non-coding transcript variant (4).
Genome position (GRCh38, 1-based): chr11:64,810,044, C>G on the plus strand (G>C on the coding strand, the complement: MEN1 is on the minus strand). VCF-style: chr11-64810044-C-G. GRCh37 (hg19) VCF-style: chr11-64577516-C-G.
Other names: c.66G>C, p.Leu22= (NM_130799.3, NM_130800.3, NM_130801.3 and 20 more transcripts).
Identifiers: ClinVar variation 3387026 (VCV003387026.2).
Genomic context (GRCh38, chr11:64,810,044, plus strand): 5'-GCCCAGCACCAAGGAAAGGAGCACCAGGTCCGGCTCCTCTCGGCCCAGCTCGGCAGCAAA[C>G]AGGCGCACCACGTCGTCGATGGAGCGCAGCGGGAACAGCGTCTTCTGGGCGGCCTTCAGC-3'
Protein context (NP_001357188.2, residues 12-32): PLRSIDDVVR[Leu22=]FAAELGREEP

ClinVar aggregate classification (germline): Likely benign. Review status: criteria provided, multiple submitters, no conflicts (2 of 4 stars). 2 submissions from 2 submitters: Likely benign (2). Last evaluated 2025-05-18.

Conditions:
Multiple endocrine neoplasia, type 1 (MEN1). Also called: MEN I; WERMER SYNDROME; Endocrine adenomatosis multiple; MEN 1; MEA I. Identifiers: Orphanet 652, MedGen C0025267, MeSH D018761, MONDO:0007540, OMIM 131100.

Submissions (2):

Labcorp Genetics (formerly Invitae), Labcorp
Classification: Likely benign for Multiple endocrine neoplasia, type 1. Last evaluated: 2025-05-18. Review status: criteria provided, single submitter. Criteria: Invitae Variant Classification Sherloc (09022015). Collection method: clinical testing. Allele origin: germline.

All of Us Research Program, National Institutes of Health
Classification: Likely benign for Multiple endocrine neoplasia, type 1. Last evaluated: 2024-07-20. Review status: criteria provided, single submitter. Criteria: ACMG Guidelines, 2015. Collection method: clinical testing. Allele origin: germline. Inheritance: Autosomal dominant inheritance. Observed: 1 variant allele, 1 heterozygote.
Comment: This study involves interpretation of variants in research participants for the purpose of population health screening. Participant phenotype was not available at the time of variant classification. Additional details can be found in publication PMID: 35346344, PMCID: PMC8962531